The following is an entry in ClinVar:

NM_014314.4(RIGI):c.2527G>T (p.Val843Leu)

Gene: RIGI (RNA sensor RIG-I; minus strand). Cytogenetic location: 9p21.1.
Variant type: single nucleotide variant.
Coding change: c.2527G>T on transcript NM_014314.4 (MANE Select); coding-DNA position 2527, G replaced by T.
Protein change: p.Val843Leu; replaces valine 843 with leucine.
Molecular consequence: missense variant.
Genome position (GRCh38, 1-based): chr9:32,457,373, C>A on the plus strand (G>T on the coding strand, the complement: RIGI is on the minus strand). VCF-style: chr9-32457373-C-A. GRCh37 (hg19) VCF-style: chr9-32457371-C-A.
Other names: c.2521G>T, p.Val841Leu (NM_001385907.1); c.2356G>T, p.Val786Leu (NM_001385909.1); c.2086G>T, p.Val696Leu (NM_001385910.1); c.1918G>T, p.Val640Leu (NM_001385912.1); c.2512G>T, p.Val838Leu (NM_001385913.1); c.2083G>T, p.Val695Leu (NM_001385914.1); short protein forms V640L, V696L, V838L, V843L, V695L, V786L, V841L.
Identifiers: ClinVar variation 1896563 (VCV001896563.5), dbSNP rs1304055569, ClinGen allele CA373142465.

ClinVar aggregate classification (germline): Uncertain significance (1 of 4 stars; one submission).

Allele frequency attached by ClinVar (database versions not stated): gnomAD exomes below 0.00001; gnomAD 0.00001; TOPMed 0.00002.
gnomAD v4.1: 4 of 1,613,244 alleles (0.00025%); highest among the groups gnomAD compares: African/African-American, 0.0027%; no homozygotes.

Submission:

Labcorp Genetics (formerly Invitae), Labcorp
Classification: Uncertain significance. Last evaluated: 2023-12-12. Review status: criteria provided, single submitter. Criteria: Invitae Variant Classification Sherloc (09022015). Collection method: clinical testing. Allele origin: germline.
Comment: This sequence change replaces valine, which is neutral and non-polar, with leucine, which is neutral and non-polar, at codon 843 of the DDX58 protein (p.Val843Leu). This variant is not present in population databases (gnomAD no frequency). This variant has not been reported in the literature in individuals affected with DDX58-related conditions. ClinVar contains an entry for this variant (Variation ID: 1896563). Advanced modeling of protein sequence and biophysical properties (such as structural, functional, and spatial information, amino acid conservation, physicochemical variation, residue mobility, and thermodynamic stability) performed at Invitae indicates that this missense variant is not expected to disrupt DDX58 protein function with a negative predictive value of 80%. In summary, the available evidence is currently insufficient to determine the role of this variant in disease. Therefore, it has been classified as a Variant of Uncertain Significance.